The following is an entry in ClinVar:

ClinVar aggregate classification (germline): Uncertain significance (1 of 4 stars; one submission).

Conditions:
Aortic aneurysm, familial thoracic 7 (AAT7). Also called: AORTIC DISSECTION, FAMILIAL, WITH OR WITHOUT AORTIC ANEURYSM. Identifiers: MedGen C3151077, MONDO:0013418, OMIM 613780.

Submission:

Labcorp Genetics (formerly Invitae), Labcorp
Classification: Uncertain significance for Aortic aneurysm, familial thoracic 7. Last evaluated: 2025-08-13. Review status: criteria provided, single submitter. Criteria: Invitae Variant Classification Sherloc (09022015). Collection method: clinical testing. Allele origin: germline.
Comment: This sequence change replaces valine, which is neutral and non-polar, with leucine, which is neutral and non-polar, at codon 869 of the MYLK protein (p.Val869Leu). This variant is not present in population databases (gnomAD no frequency). This variant has not been reported in the literature in individuals affected with MYLK-related conditions. Invitae Evidence Modeling of protein sequence and biophysical properties (such as structural, functional, and spatial information, amino acid conservation, physicochemical variation, residue mobility, and thermodynamic stability) indicates that this missense variant is not expected to disrupt MYLK protein function with a negative predictive value of 80%. In summary, the available evidence is currently insufficient to determine the role of this variant in disease. Therefore, it has been classified as a Variant of Uncertain Significance.

NM_053025.4(MYLK):c.2605G>T (p.Val869Leu)

Gene: MYLK (myosin light chain kinase; minus strand). Cytogenetic location: 3q21.1.
Variant type: single nucleotide variant.
Coding change: c.2605G>T on transcript NM_053025.4 (MANE Select); coding-DNA position 2605, G replaced by T.
Protein change: p.Val869Leu; replaces valine 869 with leucine.
Molecular consequence: missense variant.
Genome position (GRCh38, 1-based): chr3:123,700,863, C>A on the plus strand (G>T on the coding strand, the complement: MYLK is on the minus strand). VCF-style: chr3-123700863-C-A. GRCh37 (hg19) VCF-style: chr3-123419710-C-A.
Other names: c.2077G>T, p.Val693Leu (NM_001321309.2); c.2398G>T, p.Val800Leu (NM_053026.4, NM_053028.4); c.2605G>T, p.Val869Leu (NM_053027.4); short protein forms V800L, V869L, V693L.
Identifiers: ClinVar variation 4739286 (VCV004739286.1).